The following is an entry in ClinVar:

ClinVar aggregate classification (germline): Uncertain significance (1 of 4 stars; one submission).

Allele frequency attached by ClinVar (database versions not stated): gnomAD exomes below 0.00001.
gnomAD v4.1: 7 of 1,613,920 alleles (0.00043%); highest among the groups gnomAD compares: Admixed American, 0.0017%; no homozygotes.

Submission:

GeneDx
Classification: Uncertain significance. Last evaluated: 2025-09-30. Review status: criteria provided, single submitter. Criteria: GeneDx Variant Classification Process June 2021. Collection method: clinical testing. Allele origin: germline. Affected: yes.
Comment: In silico analysis suggests that this missense variant does not alter protein structure/function; Has not been previously published as pathogenic or benign to our knowledge; This variant is associated with the following publications: (PMID: 8616895)

NM_004380.3(CREBBP):c.6325G>A (p.Val2109Met)

Gene: CREBBP (CREB binding lysine acetyltransferase; minus strand). Cytogenetic location: 16p13.3.
Variant type: single nucleotide variant.
Coding change: c.6325G>A on transcript NM_004380.3 (MANE Select); coding-DNA position 6325, G replaced by A.
Protein change: p.Val2109Met; replaces valine 2109 with methionine.
Molecular consequence: missense variant.
Genome position (GRCh38, 1-based): chr16:3,728,722, C>T on the plus strand (G>A on the coding strand, the complement: CREBBP is on the minus strand). VCF-style: chr16-3728722-C-T. GRCh37 (hg19) VCF-style: chr16-3778723-C-T.
Other names: c.6211G>A, p.Val2071Met (NM_001079846.1); short protein forms V2071M, V2109M.
Identifiers: ClinVar variation 1215591 (VCV001215591.4), dbSNP rs1174069554, ClinGen allele CA394553634.